The following is an entry in ClinVar:

NM_001457.4(FLNB):c.1373G>C (p.Ser458Thr)

Gene: FLNB (filamin B; plus strand). Cytogenetic location: 3p14.3.
Variant type: single nucleotide variant.
Coding change: c.1373G>C on transcript NM_001457.4 (MANE Select); coding-DNA position 1373, G replaced by C.
Protein change: p.Ser458Thr; replaces serine 458 with threonine.
Molecular consequence: missense variant.
Genome position (GRCh38, 1-based): chr3:58,102,230, G>C. VCF-style: chr3-58102230-G-C. GRCh37 (hg19) VCF-style: chr3-58087957-G-C.
Other names: c.1373G>C, p.Ser458Thr (NM_001164317.2, NM_001164318.2, NM_001164319.2); short protein forms S458T.
Identifiers: ClinVar variation 4801686 (VCV004801686.1).
Genomic context (GRCh38, chr3:58,102,230, plus strand): 5'-AAGATTGAATTGATGTCAAAACTGTGCTTGCAGCCTGCAATCCAAATGCCTGCCGGGCCA[G>C]TGGCCGAGGCCTACAACCCAAAGGCGTCCGTATCCGGGAGACCACAGATTTCAAGGTTGA-3'
Protein context (NP_001448.2, residues 448-468): EACNPNACRA[Ser458Thr]GRGLQPKGVR

ClinVar aggregate classification (germline): Uncertain significance (1 of 4 stars; one submission).

Submission:

Labcorp Genetics (formerly Invitae), Labcorp
Classification: Uncertain significance. Last evaluated: 2025-10-29. Review status: criteria provided, single submitter. Criteria: Invitae Variant Classification Sherloc (09022015). Collection method: clinical testing. Allele origin: germline.
Comment: This sequence change replaces serine, which is neutral and polar, with threonine, which is neutral and polar, at codon 458 of the FLNB protein (p.Ser458Thr). This variant is not present in population databases (gnomAD no frequency). This variant has not been reported in the literature in individuals affected with FLNB-related conditions. Invitae Evidence Modeling of protein sequence and biophysical properties (such as structural, functional, and spatial information, amino acid conservation, physicochemical variation, residue mobility, and thermodynamic stability) indicates that this missense variant is not expected to disrupt FLNB protein function with a negative predictive value of 95%. In summary, the available evidence is currently insufficient to determine the role of this variant in disease. Therefore, it has been classified as a Variant of Uncertain Significance.